The following is an entry in ClinVar:

ClinVar aggregate classification (germline): Uncertain significance (1 of 4 stars; one submission).

Conditions:
Combined oxidative phosphorylation defect type 17. Also called: Combined oxidative phosphorylation deficiency 17. Identifiers: Orphanet 369913, MedGen C3809526, MONDO:0014190, OMIM 615440.

Submission:

Labcorp Genetics (formerly Invitae), Labcorp
Classification: Uncertain significance for Combined oxidative phosphorylation defect type 17. Last evaluated: 2022-01-26. Review status: criteria provided, single submitter. Criteria: Invitae Variant Classification Sherloc (09022015). Collection method: clinical testing. Allele origin: germline.
Comment: This sequence change replaces leucine, which is neutral and non-polar, with valine, which is neutral and non-polar, at codon 40 of the ELAC2 protein (p.Leu40Val). This variant is not present in population databases (gnomAD no frequency). This variant has not been reported in the literature in individuals affected with ELAC2-related conditions. Algorithms developed to predict the effect of missense changes on protein structure and function (SIFT, PolyPhen-2, Align-GVGD) all suggest that this variant is likely to be tolerated. Algorithms developed to predict the effect of sequence changes on RNA splicing suggest that this variant may create or strengthen a splice site. In summary, the available evidence is currently insufficient to determine the role of this variant in disease. Therefore, it has been classified as a Variant of Uncertain Significance.

NM_018127.7(ELAC2):c.118C>G (p.Leu40Val)

Gene: ELAC2 (elaC ribonuclease Z 2; minus strand). Cytogenetic location: 17p12.
Variant type: single nucleotide variant.
Coding change: c.118C>G on transcript NM_018127.7 (MANE Select); coding-DNA position 118, C replaced by G.
Protein change: p.Leu40Val; replaces leucine 40 with valine.
Molecular consequence: missense variant.
Genome position (GRCh38, 1-based): chr17:13,017,830, G>C on the plus strand (C>G on the coding strand, the complement: ELAC2 is on the minus strand). VCF-style: chr17-13017830-G-C. GRCh37 (hg19) VCF-style: chr17-12921147-G-C.
Other names: c.118C>G, p.Leu40Val (NM_001165962.2, NM_173717.2); short protein forms L40V.
Identifiers: ClinVar variation 2064192 (VCV002064192.3), dbSNP rs983405562, ClinGen allele CA398219142.